The following is an entry in ClinVar:

NM_138459.5(NUS1):c.416G>A (p.Gly139Asp)

Gene: NUS1 (NUS1 dehydrodolichyl diphosphate synthase subunit; plus strand). Cytogenetic location: 6q22.1.
Variant type: single nucleotide variant.
Coding change: c.416G>A on transcript NM_138459.5 (MANE Select); coding-DNA position 416, G replaced by A.
Protein change: p.Gly139Asp; replaces glycine 139 with aspartic acid.
Molecular consequence: missense variant.
Genome position (GRCh38, 1-based): chr6:117,693,042, G>A. VCF-style: chr6-117693042-G-A. GRCh37 (hg19) VCF-style: chr6-118014205-G-A.
Other names: short protein forms G139D.
Identifiers: ClinVar variation 1352844 (VCV001352844.6), dbSNP rs2114686687, ClinGen allele CA365536597.

ClinVar aggregate classification (germline): Uncertain significance (1 of 4 stars; one submission).

Conditions:
Congenital disorder of glycosylation, type Iaa. Also called: Congenital disorder of glycosylation, type 1aa. Identifiers: MedGen C4310727, MONDO:0014904, OMIM 617082.

Submission:

Labcorp Genetics (formerly Invitae), Labcorp
Classification: Uncertain significance for Congenital disorder of glycosylation, type Iaa. Last evaluated: 2021-11-22. Review status: criteria provided, single submitter. Criteria: Invitae Variant Classification Sherloc (09022015). Collection method: clinical testing. Allele origin: germline.
Comment: This variant has not been reported in the literature in individuals affected with NUS1-related conditions. In summary, the available evidence is currently insufficient to determine the role of this variant in disease. Therefore, it has been classified as a Variant of Uncertain Significance. Algorithms developed to predict the effect of sequence changes on RNA splicing suggest that this variant may disrupt the consensus splice site. Algorithms developed to predict the effect of missense changes on protein structure and function are either unavailable or do not agree on the potential impact of this missense change (SIFT: "Tolerated"; PolyPhen-2: "Probably Damaging"; Align-GVGD: "Class C15"). This variant is not present in population databases (gnomAD no frequency). This sequence change replaces glycine, which is neutral and non-polar, with aspartic acid, which is acidic and polar, at codon 139 of the NUS1 protein (p.Gly139Asp).